The following is an entry in ClinVar:

NM_007294.4(BRCA1):c.934G>A (p.Gly312Ser)

Gene: BRCA1 (BRCA1 DNA repair associated; minus strand). Cytogenetic location: 17q21.31.
Variant type: single nucleotide variant.
Coding change: c.934G>A on transcript NM_007294.4 (MANE Select); coding-DNA position 934, G replaced by A.
Protein change: p.Gly312Ser; replaces glycine 312 with serine.
Molecular consequence: missense variant. On other transcripts: intron variant (137).
Genome position (GRCh38, 1-based): chr17:43,094,597, C>T on the plus strand (G>A on the coding strand, the complement: BRCA1 is on the minus strand). VCF-style: chr17-43094597-C-T. GRCh37 (hg19) VCF-style: chr17-41246614-C-T.
Other names: c.925G>A, p.Gly309Ser (NM_001407647.1, NM_001407646.1); c.811G>A, p.Gly271Ser (NM_001407648.1, NM_001407664.1, NM_001407665.1 and 19 more transcripts); c.808G>A, p.Gly270Ser (NM_001407649.1, NM_001407670.1, NM_001407671.1 and 11 more transcripts); c.934G>A, p.Gly312Ser (NM_001407652.1, NM_001407684.1, NM_001407854.1 and 30 more transcripts); c.856G>A, p.Gly286Ser (NM_001407653.1, NM_001407654.1, NM_001407655.1 and 4 more transcripts); c.853G>A, p.Gly285Ser (NM_001407659.1, NM_001407660.1, NM_001407661.1 and 1 more transcripts); c.793G>A, p.Gly265Ser (NM_001407692.1, NM_001407694.1, NM_001407695.1 and 29 more transcripts); c.790G>A, p.Gly264Ser (NM_001407740.1, NM_001407741.1, NM_001407742.1 and 20 more transcripts); and 40 more; short protein forms G144S, G16S, G184S, G185S, G200S, G201S, G223S, G224S.
Identifiers: ClinVar variation 3340388 (VCV003340388.1).
Genomic context (GRCh38, chr17:43,094,597, plus strand): 5'-GCCTATCATTACATGTTTCCTTACTTCCAGCCCATCTGTTATGTTGGCTCCTTGCTAAGC[C>T]AGGCTGTTTGCTTTTATTACAGAATTCAGCCTTTTCTACATTCATTCTGTCTTTAGTGAG-3'
Protein context (NP_009225.1, residues 302-322): AEFCNKSKQP[Gly312Ser]LARSQHNRWA

ClinVar aggregate classification (germline): Uncertain significance (1 of 4 stars; one submission).

Submission:

GeneDx
Classification: Uncertain significance. Last evaluated: 2023-12-13. Review status: criteria provided, single submitter. Criteria: GeneDx Variant Classification Process June 2021. Collection method: clinical testing. Allele origin: germline. Affected: yes.
Comment: Not observed at significant frequency in large population cohorts (gnomAD); In silico analysis supports that this missense variant has a deleterious effect on protein structure/function; Observed in an individual with serous ovarian cancer (PMID: 29020732); Also known as 1053G>A; This variant is associated with the following publications: (PMID: 29020732, 20215511, 11521194, 9582019, 9926942, 15343273)